The following is an entry in ClinVar:

ClinVar aggregate classification (germline): Uncertain significance. Review status: criteria provided, multiple submitters, no conflicts (2 of 4 stars). 2 submissions from 2 submitters: Uncertain significance (2). Last evaluated 2025-04-13.

Conditions:
Inborn genetic diseases. Identifiers: MedGen C0950123, MeSH D030342.
Beckwith-Wiedemann syndrome (BWS). Also called: Exomphalos macroglossia gigantism syndrome; EMG SYNDROME. Identifiers: Orphanet 116, MedGen C0004903, MONDO:0007534, OMIM 130650.

Submissions (2):

Ambry Genetics
Classification: Uncertain significance for Inborn genetic diseases. Last evaluated: 2025-04-13. Review status: criteria provided, single submitter. Criteria: Ambry Variant Classification Scheme 2023. Collection method: clinical testing. Allele origin: germline.

Labcorp Genetics (formerly Invitae), Labcorp
Classification: Uncertain significance for Beckwith-Wiedemann syndrome. Last evaluated: 2024-07-16. Review status: criteria provided, single submitter. Criteria: Invitae Variant Classification Sherloc (09022015). Collection method: clinical testing. Allele origin: germline.
Comment: This sequence change replaces proline, which is neutral and non-polar, with leucine, which is neutral and non-polar, at codon 186 of the CDKN1C protein (p.Pro186Leu). The frequency data for this variant in the population databases is considered unreliable, as metrics indicate insufficient coverage at this position in the gnomAD database. This variant has not been reported in the literature in individuals affected with CDKN1C-related conditions. ClinVar contains an entry for this variant (Variation ID: 566636). Advanced modeling of protein sequence and biophysical properties (such as structural, functional, and spatial information, amino acid conservation, physicochemical variation, residue mobility, and thermodynamic stability) performed at Invitae indicates that this missense variant is not expected to disrupt CDKN1C protein function with a negative predictive value of 80%. In summary, the available evidence is currently insufficient to determine the role of this variant in disease. Therefore, it has been classified as a Variant of Uncertain Significance.

NM_001122630.2(CDKN1C):c.524C>T (p.Pro175Leu)

Gene: CDKN1C (cyclin dependent kinase inhibitor 1C; minus strand). Cytogenetic location: 11p15.4.
Variant type: single nucleotide variant.
Coding change: c.524C>T on transcript NM_001122630.2 (MANE Select); coding-DNA position 524, C replaced by T.
Protein change: p.Pro175Leu; replaces proline 175 with leucine.
Molecular consequence: missense variant. On other transcripts: intron variant (1).
Genome position (GRCh38, 1-based): chr11:2,884,933, G>A on the plus strand (C>T on the coding strand, the complement: CDKN1C is on the minus strand). VCF-style: chr11-2884933-G-A. GRCh37 (hg19) VCF-style: chr11-2906163-G-A.
Other names: c.557C>T, p.Pro186Leu (LRG_533t1, NM_000076.2, NM_001362474.2); c.524C>T, p.Pro175Leu (NM_001122631.2); c.255+269C>T (NM_001362475.2); short protein forms P186L, P175L.
Identifiers: ClinVar variation 566636 (VCV000566636.10), dbSNP rs1167747239, ClinGen allele CA379146468.